The following is an entry in ClinVar:

ClinVar aggregate classification (germline): Uncertain significance. Review status: criteria provided, multiple submitters, no conflicts (2 of 4 stars). 2 submissions from 2 submitters: Uncertain significance (2). Last evaluated 2023-12-26.

Conditions:
Inborn genetic diseases. Identifiers: MedGen C0950123, MeSH D030342.

Allele frequency attached by ClinVar (database versions not stated): gnomAD exomes 0.00002; ExAC 0.00003.
gnomAD v4.1: 33 of 1,613,528 alleles (0.002%); highest among the groups gnomAD compares: Non-Finnish European, 0.0027%; no homozygotes.

Submissions (2):

Ambry Genetics
Classification: Uncertain significance for Inborn genetic diseases. Last evaluated: 2023-12-26. Review status: criteria provided, single submitter. Criteria: Ambry Variant Classification Scheme 2023. Collection method: clinical testing. Allele origin: germline.

Labcorp Genetics (formerly Invitae), Labcorp
Classification: Uncertain significance. Last evaluated: 2022-08-16. Review status: criteria provided, single submitter. Criteria: Invitae Variant Classification Sherloc (09022015). Collection method: clinical testing. Allele origin: germline.
Comment: This sequence change replaces isoleucine, which is neutral and non-polar, with phenylalanine, which is neutral and non-polar, at codon 417 of the RETREG1 protein (p.Ile417Phe). This variant is present in population databases (rs780084870, gnomAD 0.004%). This variant has not been reported in the literature in individuals affected with RETREG1-related conditions. ClinVar contains an entry for this variant (Variation ID: 1003105). Algorithms developed to predict the effect of missense changes on protein structure and function are either unavailable or do not agree on the potential impact of this missense change (SIFT: "Deleterious"; PolyPhen-2: "Possibly Damaging"; Align-GVGD: "Class C0"). In summary, the available evidence is currently insufficient to determine the role of this variant in disease. Therefore, it has been classified as a Variant of Uncertain Significance.

NM_001034850.3(RETREG1):c.1249A>T (p.Ile417Phe)

Gene: RETREG1 (reticulophagy regulator 1; minus strand). Cytogenetic location: 5p15.1.
Variant type: single nucleotide variant.
Coding change: c.1249A>T on transcript NM_001034850.3 (MANE Select); coding-DNA position 1249, A replaced by T.
Protein change: p.Ile417Phe; replaces isoleucine 417 with phenylalanine.
Molecular consequence: missense variant.
Genome position (GRCh38, 1-based): chr5:16,474,986, T>A on the plus strand (A>T on the coding strand, the complement: RETREG1 is on the minus strand). VCF-style: chr5-16474986-T-A. GRCh37 (hg19) VCF-style: chr5-16475095-T-A.
Other names: c.826A>T, p.Ile276Phe (NM_019000.5); c.1249A>T (NM_001034850.1); short protein forms I276F, I417F.
Identifiers: ClinVar variation 1003105 (VCV001003105.9), dbSNP rs780084870, ClinGen allele CA3210223.